The following is an entry in ClinVar:

ClinVar aggregate classification (germline): Pathogenic (1 of 4 stars; one submission).

Submission:

Mayo Clinic Laboratories, Mayo Clinic
Classification: Pathogenic. Last evaluated: 2022-06-03. Review status: criteria provided, single submitter. Criteria: ACMG Guidelines, 2015. Collection method: clinical testing. Allele origin: germline. Observed: 1 variant allele.
Comment: PP4, PM2_moderate, PVS1

NM_000292.3(PHKA2):c.348C>A (p.Tyr116Ter)

Gene: PHKA2 (phosphorylase kinase regulatory subunit alpha 2; minus strand). Cytogenetic location: Xp22.13.
Variant type: single nucleotide variant.
Coding change: c.348C>A on transcript NM_000292.3 (MANE Select); coding-DNA position 348, C replaced by A.
Protein change: p.Tyr116Ter; replaces tyrosine 116 with a stop codon.
Molecular consequence: nonsense.
Genome position (GRCh38, 1-based): chrX:18,951,210, G>T on the plus strand (C>A on the coding strand, the complement: PHKA2 is on the minus strand). VCF-style: chrX-18951210-G-T. GRCh37 (hg19) VCF-style: chrX-18969328-G-T.
Other names: p.Tyr116*; short protein forms Y116*.
Identifiers: ClinVar variation 3380920 (VCV003380920.1).